The following is an entry in ClinVar:

ClinVar aggregate classification (germline): Uncertain significance. Review status: criteria provided, multiple submitters, no conflicts (2 of 4 stars). 2 submissions from 2 submitters: Uncertain significance (2). Last evaluated 2025-05-30.

Conditions:
Ehlers-Danlos syndrome, kyphoscoliotic type 1 (EDSKSCL1). Also called: EHLERS-DANLOS SYNDROME, TYPE VIA; EHLERS-DANLOS SYNDROME, OCULAR-SCOLIOTIC TYPE; PLOD1-Related Kyphoscoliotic Ehlers-Danlos Syndrome; Ehlers-Danlos syndrome, hydroxylysine-deficient. Identifiers: Orphanet 1900, MedGen C0268342, MONDO:0016002, OMIM 225400. Disease mechanism: loss of function.
Familial thoracic aortic aneurysm and aortic dissection (TAAD). Also called: Thoracic aortic aneurysms and dissections. Identifiers: Orphanet 91387, MedGen C4707243, MONDO:0019625.

Allele frequency attached by ClinVar (database versions not stated): ExAC 0.00002.
gnomAD v4.1: 16 of 1,609,340 alleles (0.00099%); highest among the groups gnomAD compares: Non-Finnish European, 0.0014%; no homozygotes.

Submissions (2):

Ambry Genetics
Classification: Uncertain significance for Familial thoracic aortic aneurysm and aortic dissection. Last evaluated: 2025-05-30. Review status: criteria provided, single submitter. Criteria: Ambry Variant Classification Scheme 2023. Collection method: clinical testing. Allele origin: germline.
Comment: The p.T246S variant (also known as c.736A>T), located in coding exon 7 of the PLOD1 gene, results from an A to T substitution at nucleotide position 736. The threonine at codon 246 is replaced by serine, an amino acid with similar properties. This amino acid position is conserved. In addition, this alteration is predicted to be tolerated by in silico analysis. Based on the available evidence, the clinical significance of this variant remains unclear.

ARUP Laboratories, Molecular Genetics and Genomics, ARUP Laboratories
Classification: Uncertain significance for Ehlers-Danlos syndrome, kyphoscoliotic type 1. Last evaluated: 2023-03-23. Review status: criteria provided, single submitter. Criteria: ARUP Molecular Germline Variant Investigation Process 2024. Collection method: clinical testing. Allele origin: germline.
Comment: The PLOD1 c.736A>T; p.Thr246Ser variant (rs775496572), to our knowledge, is not reported in the medical literature or gene specific databases. This variant is only observed on two alleles in the Genome Aggregation Database, indicating it is not a common polymorphism. Computational analyses are uncertain whether this variant is neutral or deleterious (REVEL: 0.227). Due to limited information, the clinical significance of this variant is uncertain at this time.

NM_000302.4(PLOD1):c.736A>T (p.Thr246Ser)

Gene: PLOD1 (procollagen-lysine,2-oxoglutarate 5-dioxygenase 1; plus strand). Cytogenetic location: 1p36.22.
Variant type: single nucleotide variant.
Coding change: c.736A>T on transcript NM_000302.4 (MANE Select); coding-DNA position 736, A replaced by T.
Protein change: p.Thr246Ser; replaces threonine 246 with serine.
Molecular consequence: missense variant.
Genome position (GRCh38, 1-based): chr1:11,957,009, A>T. VCF-style: chr1-11957009-A-T. GRCh37 (hg19) VCF-style: chr1-12017066-A-T.
Other names: c.736A>T (NM_000302.3); c.877A>T, p.Thr293Ser (NM_001316320.2); short protein forms T293S, T246S.
Identifiers: ClinVar variation 2920921 (VCV002920921.2), dbSNP rs775496572, ClinGen allele CA598063.